The following is an entry in ClinVar:

ClinVar aggregate classification (germline): Conflicting classifications of pathogenicity. Review status: criteria provided, conflicting classifications (1 of 4 stars). 2 submissions from 2 submitters: Uncertain significance (1); Likely benign (1). Last evaluated 2024-01-29.

Allele frequency attached by ClinVar (database versions not stated): ExAC 0.00005; 1000 Genomes Project 30x 0.00016; 1000 Genomes Project 0.00020; ESP Exome Variant Server 0.00023; gnomAD 0.00023; TOPMed 0.00023.
gnomAD v4.1: 115 of 1,613,660 alleles (0.0071%); highest among the groups gnomAD compares: African/African-American, 0.087%; 2 homozygotes.

Submissions (2):

Labcorp Genetics (formerly Invitae), Labcorp
Classification: Uncertain significance. Last evaluated: 2024-01-29. Review status: criteria provided, single submitter. Criteria: Invitae Variant Classification Sherloc (09022015). Collection method: clinical testing. Allele origin: germline.
Comment: This sequence change replaces alanine, which is neutral and non-polar, with valine, which is neutral and non-polar, at codon 30 of the DDX58 protein (p.Ala30Val). This variant is present in population databases (rs147964586, gnomAD 0.06%), and has an allele count higher than expected for a pathogenic variant. This variant has not been reported in the literature in individuals affected with DDX58-related conditions. An algorithm developed to predict the effect of missense changes on protein structure and function (PolyPhen-2) suggests that this variant is likely to be tolerated. In summary, the available evidence is currently insufficient to determine the role of this variant in disease. Therefore, it has been classified as a Variant of Uncertain Significance.

Blueprint Genetics
Classification: Likely benign. Last evaluated: 2023-07-19. Review status: criteria provided, single submitter. Criteria: ACMG Guidelines, 2015. Collection method: clinical testing. Allele origin: germline.

NM_014314.4(RIGI):c.89C>T (p.Ala30Val)

Gene: RIGI (RNA sensor RIG-I; minus strand). Cytogenetic location: 9p21.1.
Variant type: single nucleotide variant.
Coding change: c.89C>T on transcript NM_014314.4 (MANE Select); coding-DNA position 89, C replaced by T.
Protein change: p.Ala30Val; replaces alanine 30 with valine.
Molecular consequence: missense variant. On other transcripts: 5 prime UTR variant (3).
Genome position (GRCh38, 1-based): chr9:32,526,078, G>A on the plus strand (C>T on the coding strand, the complement: RIGI is on the minus strand). VCF-style: chr9-32526078-G-A. GRCh37 (hg19) VCF-style: chr9-32526076-G-A.
Other names: c.89C>T, p.Ala30Val (NM_001385907.1, NM_001385909.1, NM_001385913.1); c.-366C>T (NM_001385910.1, NM_001385914.1); c.-373C>T (NM_001385912.1); short protein forms A30V.
Identifiers: ClinVar variation 3004439 (VCV003004439.4), dbSNP rs147964586, ClinGen allele CA5020183.